The following is an entry in ClinVar:

ClinVar aggregate classification (germline): Uncertain significance (1 of 4 stars; one submission).

gnomAD v4.1: 4 of 1,203,552 alleles (0.00033%); highest among the groups gnomAD compares: South Asian, 0.0018%; no homozygotes.

Submission:

GeneDx
Classification: Uncertain significance. Last evaluated: 2025-05-29. Review status: criteria provided, single submitter. Criteria: GeneDx Variant Classification Process June 2021. Collection method: clinical testing. Allele origin: germline. Affected: yes.
Comment: Not observed at significant frequency in large population cohorts (gnomAD); In silico analysis supports that this missense variant has a deleterious effect on protein structure/function; Has not been previously published as pathogenic or benign to our knowledge

NM_001282874.2(SMARCA1):c.2303G>A (p.Arg768His)

Gene: SMARCA1 (SNF2 related chromatin remodeling ATPase 1; minus strand). Cytogenetic location: Xq25.
Variant type: single nucleotide variant.
Coding change: c.2303G>A on transcript NM_001282874.2 (MANE Select); coding-DNA position 2303, G replaced by A.
Protein change: p.Arg768His; replaces arginine 768 with histidine.
Molecular consequence: missense variant.
Genome position (GRCh38, 1-based): chrX:129,481,100, C>T on the plus strand (G>A on the coding strand, the complement: SMARCA1 is on the minus strand). VCF-style: chrX-129481100-C-T. GRCh37 (hg19) VCF-style: chrX-128615077-C-T.
Other names: c.2267G>A, p.Arg756His (NM_001282875.2, NM_001378262.1, NM_001378263.1 and 1 more transcripts); c.2303G>A, p.Arg768His (NM_001378261.1, NM_003069.5); short protein forms R756H, R768H.
Identifiers: ClinVar variation 4532684 (VCV004532684.1).